The following is an entry in ClinVar:

NM_000553.6(WRN):c.2821T>C (p.Ser941Pro)

Gene: WRN (WRN RecQ like helicase; plus strand). Cytogenetic location: 8p12.
Variant type: single nucleotide variant.
Coding change: c.2821T>C on transcript NM_000553.6 (MANE Select); coding-DNA position 2821, T replaced by C.
Protein change: p.Ser941Pro; replaces serine 941 with proline.
Molecular consequence: missense variant.
Genome position (GRCh38, 1-based): chr8:31,124,996, T>C. VCF-style: chr8-31124996-T-C. GRCh37 (hg19) VCF-style: chr8-30982512-T-C.
Other names: short protein forms S941P.
Identifiers: ClinVar variation 2875608 (VCV002875608.3), dbSNP rs2535996169, ClinGen allele CA370917884.
Genomic context (GRCh38, chr8:31,124,996, plus strand): 5'-CAAGTACAAAAAGCCTCCTTGGGAATTATGGGAACTGAAAAATGCTGTGATAATTGCAGG[T>C]CCAGGTAAAGATTTCTTATTATAGATGGACATTCTAAAAGTCTTTCTTTCTCTTCCTTTT-3'
Protein context (NP_000544.2, residues 931-951): GTEKCCDNCR[Ser941Pro]RLDHCYSMDD

ClinVar aggregate classification (germline): Uncertain significance (1 of 4 stars; one submission).

Conditions:
Werner syndrome (WRN). Identifiers: Orphanet 902, MedGen C0043119, MONDO:0010196, OMIM 277700.

Submission:

Labcorp Genetics (formerly Invitae), Labcorp
Classification: Uncertain significance for Werner syndrome. Last evaluated: 2024-06-29. Review status: criteria provided, single submitter. Criteria: Invitae Variant Classification Sherloc (09022015). Collection method: clinical testing. Allele origin: germline.
Comment: This sequence change replaces serine, which is neutral and polar, with proline, which is neutral and non-polar, at codon 941 of the WRN protein (p.Ser941Pro). This variant is not present in population databases (gnomAD no frequency). This variant has not been reported in the literature in individuals affected with WRN-related conditions. Algorithms developed to predict the effect of missense changes on protein structure and function output the following: SIFT: "Not Available"; PolyPhen-2: "Benign"; Align-GVGD: "Not Available". The proline amino acid residue is found in multiple mammalian species, which suggests that this missense change does not adversely affect protein function. In summary, the available evidence is currently insufficient to determine the role of this variant in disease. Therefore, it has been classified as a Variant of Uncertain Significance.